The following is an entry in ClinVar:

ClinVar aggregate classification (germline): Uncertain significance (1 of 4 stars; one submission).

Submission:

Labcorp Genetics (formerly Invitae), Labcorp
Classification: Uncertain significance. Last evaluated: 2024-04-29. Review status: criteria provided, single submitter. Criteria: Invitae Variant Classification Sherloc (09022015). Collection method: clinical testing. Allele origin: germline.
Comment: This sequence change replaces proline, which is neutral and non-polar, with serine, which is neutral and polar, at codon 1085 of the ABCC6 protein (p.Pro1085Ser). This variant is not present in population databases (gnomAD no frequency). This variant has not been reported in the literature in individuals affected with ABCC6-related conditions. Advanced modeling of protein sequence and biophysical properties (such as structural, functional, and spatial information, amino acid conservation, physicochemical variation, residue mobility, and thermodynamic stability) performed at Invitae indicates that this missense variant is expected to disrupt ABCC6 protein function with a positive predictive value of 95%. In summary, the available evidence is currently insufficient to determine the role of this variant in disease. Therefore, it has been classified as a Variant of Uncertain Significance.

NM_001171.6(ABCC6):c.3253C>T (p.Pro1085Ser)

Gene: ABCC6 (ATP binding cassette subfamily C member 6; minus strand). Cytogenetic location: 16p13.11.
Variant type: single nucleotide variant.
Coding change: c.3253C>T on transcript NM_001171.6 (MANE Select); coding-DNA position 3253, C replaced by T.
Protein change: p.Pro1085Ser; replaces proline 1085 with serine.
Molecular consequence: missense variant. On other transcripts: non-coding transcript variant (1).
Genome position (GRCh38, 1-based): chr16:16,165,676, G>A on the plus strand (C>T on the coding strand, the complement: ABCC6 is on the minus strand). VCF-style: chr16-16165676-G-A. GRCh37 (hg19) VCF-style: chr16-16259533-G-A.
Other names: c.2911C>T, p.Pro971Ser (NM_001351800.1); short protein forms P1085S, P971S.
Identifiers: ClinVar variation 3651590 (VCV003651590.2).